The following is an entry in ClinVar:

ClinVar aggregate classification (germline): Uncertain significance (1 of 4 stars; one submission).

Submission:

GeneDx
Classification: Uncertain significance. Last evaluated: 2025-06-17. Review status: criteria provided, single submitter. Criteria: GeneDx Variant Classification Process June 2021. Collection method: clinical testing. Allele origin: germline. Affected: yes.
Comment: Not observed at significant frequency in large population cohorts (gnomAD); In silico analysis supports that this missense variant has a deleterious effect on protein structure/function; Has not been previously published as pathogenic or benign to our knowledge

NM_031407.7(HUWE1):c.7997G>A (p.Cys2666Tyr)

Gene: HUWE1 (HECT, UBA and WWE domain containing E3 ubiquitin protein ligase 1; minus strand). Cytogenetic location: Xp11.22.
Variant type: single nucleotide variant.
Coding change: c.7997G>A on transcript NM_031407.7 (MANE Select); coding-DNA position 7997, G replaced by A.
Protein change: p.Cys2666Tyr; replaces cysteine 2666 with tyrosine.
Molecular consequence: missense variant.
Genome position (GRCh38, 1-based): chrX:53,558,979, C>T on the plus strand (G>A on the coding strand, the complement: HUWE1 is on the minus strand). VCF-style: chrX-53558979-C-T. GRCh37 (hg19) VCF-style: chrX-53585940-C-T.
Other names: c.7994G>A, p.Cys2665Tyr (NM_001441048.1, NM_001441051.1, NM_001441053.1 and 2 more transcripts); c.7997G>A, p.Cys2666Tyr (NM_001441049.1, NM_001441054.1, NM_001441057.1); c.8018G>A, p.Cys2673Tyr (NM_001441050.1, NM_001441055.1); c.7595G>A, p.Cys2532Tyr (NM_001441052.1); short protein forms C2532Y, C2665Y, C2666Y, C2673Y.
Identifiers: ClinVar variation 4538729 (VCV004538729.1).